The following is an entry in ClinVar:

ClinVar aggregate classification (germline): Uncertain significance. Review status: criteria provided, multiple submitters, no conflicts (2 of 4 stars). 3 submissions from 3 submitters: Uncertain significance (3). Last evaluated 2023-11-21.

Conditions:
Macular dystrophy. Identifiers: MedGen C0730292, HP:0007754.

Allele frequency attached by ClinVar (database versions not stated): gnomAD 0.00001; ExAC 0.00002; TOPMed 0.00002.
gnomAD v4.1: 18 of 1,614,058 alleles (0.0011%); highest among the groups gnomAD compares: South Asian, 0.0033%; no homozygotes.

Submissions (3):

Labcorp Genetics (formerly Invitae), Labcorp
Classification: Uncertain significance. Last evaluated: 2023-11-21. Review status: criteria provided, single submitter. Criteria: Invitae Variant Classification Sherloc (09022015). Collection method: clinical testing. Allele origin: germline.
Comment: This sequence change replaces valine, which is neutral and non-polar, with isoleucine, which is neutral and non-polar, at codon 1656 of the ABCA4 protein (p.Val1656Ile). This variant is present in population databases (rs758912686, gnomAD 0.003%). This variant has not been reported in the literature in individuals affected with ABCA4-related conditions. ClinVar contains an entry for this variant (Variation ID: 965058). Advanced modeling of protein sequence and biophysical properties (such as structural, functional, and spatial information, amino acid conservation, physicochemical variation, residue mobility, and thermodynamic stability) performed at Invitae indicates that this missense variant is not expected to disrupt ABCA4 protein function with a negative predictive value of 80%. In summary, the available evidence is currently insufficient to determine the role of this variant in disease. Therefore, it has been classified as a Variant of Uncertain Significance.

DBGen Ocular Genomics
Classification: Uncertain significance for Macular dystrophy. Last evaluated: 2021-05-31. Review status: criteria provided, single submitter. Criteria: ACMG Guidelines, 2015. Collection method: clinical testing. Allele origin: germline. Affected: yes. Observed: 1 variant allele.

Blueprint Genetics
Classification: Uncertain significance. Last evaluated: 2020-11-26. Review status: criteria provided, single submitter. Criteria: ACMG Guidelines, 2015. Collection method: clinical testing. Allele origin: germline.

NM_000350.3(ABCA4):c.4966G>A (p.Val1656Ile)

Genes: ABCA4 (ATP binding cassette subfamily A member 4; minus strand), LOC126805793 (CDK7 strongly-dependent group 2 enhancer GRCh37_chr1:94486302-94487501; plus strand). Cytogenetic location: 1p22.1.
Variant type: single nucleotide variant.
Coding change: c.4966G>A on transcript NM_000350.3 (MANE Select); coding-DNA position 4966, G replaced by A.
Protein change: p.Val1656Ile; replaces valine 1656 with isoleucine.
Molecular consequence: missense variant.
Genome position (GRCh38, 1-based): chr1:94,021,292, C>T on the plus strand (G>A on the coding strand, the complement: ABCA4 is on the minus strand). VCF-style: chr1-94021292-C-T. GRCh37 (hg19) VCF-style: chr1-94486848-C-T.
Other names: c.4744G>A, p.Val1582Ile (NM_001425324.1); short protein forms V1656I, V1582I.
Identifiers: ClinVar variation 965058 (VCV000965058.11), dbSNP rs758912686, ClinGen allele CA957419.
Genomic context (GRCh38, chr1:94,021,292, plus strand): 5'-TGGCTTACACTGTAATCTCTGAGAGCTGCTCCTTGGTCAGGTTCAGGGGTTGGCTAATGA[C>T]GGTGATTCCATACTCCTCGGGGCTCCTGTCCTTAGGCAGGCTGGCCCGTAAGATGGCGTT-3'
Protein context (NP_000341.2, residues 1646-1666): DRSPEEYGIT[Val1656Ile]ISQPLNLTKE